The following is an entry in ClinVar:

Conditions:
Arteriohepatic dysplasia. Also called: Alagille Syndrome. Identifiers: Orphanet 52, MedGen C0085280, MeSH D016738, MONDO:0007318.

Submission:

Gilbert/Spinner Lab, Children's Hospital of Philadelphia
No classification provided (evidence only). Condition: Alagille syndrome. Review status: no classification provided. Collection method: research. Allele origin: not applicable. Functional consequence: functionally_abnormal.
ClinVar note: "not provided" was previously submitted as the classification for the variant. However, the classification appeared to be based only on an observation of functional data so it was converted to no classification on 2025-07-30.

NM_000214.3(JAG1):c.718C>T (p.Pro240Ser)

Gene: JAG1 (jagged canonical Notch ligand 1; minus strand). Cytogenetic location: 20p12.2.
Variant type: single nucleotide variant.
Coding change: c.718C>T on transcript NM_000214.3 (MANE Select); coding-DNA position 718, C replaced by T.
Protein change: p.Pro240Ser; replaces proline 240 with serine.
Molecular consequence: missense variant.
Genome position (GRCh38, 1-based): chr20:10,656,435, G>A on the plus strand (C>T on the coding strand, the complement: JAG1 is on the minus strand). VCF-style: chr20-10656435-G-A. GRCh37 (hg19) VCF-style: chr20-10637083-G-A.
Other names: short protein forms P240S.
Identifiers: ClinVar variation 3573357 (VCV003573357.2).
Genomic context (GRCh38, chr20:10,656,435, plus strand): 5'-TCACAAAAGACCAGTTGATTTACCTGCAGTCACCTGGGAGTTTGCAAGACCCATGCTTAG[G>A]ACTGCAGCCTTGTCGGCAAATAGCTGTAAAAAACAGAGAAGGGCGTGTCAGCACACTGCC-3'
Protein context (NP_000205.1, residues 230-250): NRAICRQGCS[Pro240Ser]KHGSCKLPGD